The following is an entry in ClinVar:

NM_001129.5(AEBP1):c.1687C>T (p.Arg563Trp)

Gene: AEBP1 (AE binding protein 1; plus strand). Cytogenetic location: 7p13.
Variant type: single nucleotide variant.
Coding change: c.1687C>T on transcript NM_001129.5 (MANE Select); coding-DNA position 1687, C replaced by T.
Protein change: p.Arg563Trp; replaces arginine 563 with tryptophan.
Molecular consequence: missense variant.
Genome position (GRCh38, 1-based): chr7:44,111,210, C>T. VCF-style: chr7-44111210-C-T. GRCh37 (hg19) VCF-style: chr7-44150809-C-T.
Other names: c.1687C>T (NM_001129.4); short protein forms R563W.
Identifiers: ClinVar variation 1413461 (VCV001413461.6), dbSNP rs199515795, ClinGen allele CA4237963.

ClinVar aggregate classification (germline): Uncertain significance. Review status: criteria provided, multiple submitters, no conflicts (2 of 4 stars). 3 submissions from 3 submitters: Uncertain significance (3). Last evaluated 2026-02-16.

Allele frequency attached by ClinVar (database versions not stated): TOPMed 0.00005; ExAC 0.00007; gnomAD 0.00007; gnomAD exomes 0.00007.
gnomAD v4.1: 140 of 1,515,220 alleles (0.0092%); highest among the groups gnomAD compares: Non-Finnish European, 0.011%; no homozygotes.

Submissions (3):

Women's Health and Genetics/Laboratory Corporation of America, LabCorp
Classification: Uncertain significance. Last evaluated: 2026-02-16. Review status: criteria provided, single submitter. Criteria: LabCorp Variant Classification Summary - May 2015. Collection method: clinical testing. Allele origin: germline.
Comment: Variant summary: AEBP1 c.1687C>T (p.Arg563Trp) results in a non-conservative amino acid change in the encoded protein sequence. Algorithms developed to predict the effect of missense changes on protein structure and function are either unavailable or do not agree on the potential impact of this missense change. The variant allele was found at a frequency of 7.2e-05 in 180090 control chromosomes. This frequency is not significantly higher than estimated for disease-causing variants in AEBP1, allowing no conclusion about variant significance. To our knowledge, no occurrence of c.1687C>T in individuals affected with AEBP1-related conditions and no experimental evidence demonstrating its impact on protein function have been reported. ClinVar contains an entry for this variant (Variation ID: 1413461). Based on the evidence outlined above, the variant was classified as uncertain significance.

GeneDx
Classification: Uncertain significance. Last evaluated: 2024-11-13. Review status: criteria provided, single submitter. Criteria: GeneDx Variant Classification Process June 2021. Collection method: clinical testing. Allele origin: germline. Affected: yes.
Comment: Not observed at significant frequency in large population cohorts (gnomAD); In silico analysis supports that this missense variant has a deleterious effect on protein structure/function; Has not been previously published as pathogenic or benign to our knowledge

Labcorp Genetics (formerly Invitae), Labcorp
Classification: Uncertain significance. Last evaluated: 2022-06-23. Review status: criteria provided, single submitter. Criteria: Invitae Variant Classification Sherloc (09022015). Collection method: clinical testing. Allele origin: germline.
Comment: This sequence change replaces arginine, which is basic and polar, with tryptophan, which is neutral and slightly polar, at codon 563 of the AEBP1 protein (p.Arg563Trp). This variant is present in population databases (rs199515795, gnomAD 0.01%). This variant has not been reported in the literature in individuals affected with AEBP1-related conditions. Algorithms developed to predict the effect of missense changes on protein structure and function are either unavailable or do not agree on the potential impact of this missense change (SIFT: "Deleterious"; PolyPhen-2: "Probably Damaging"; Align-GVGD: "Class C0"). In summary, the available evidence is currently insufficient to determine the role of this variant in disease. Therefore, it has been classified as a Variant of Uncertain Significance.